The following is an entry in ClinVar:

NM_004168.4(SDHA):c.1363A>C (p.Asn455His)

Gene: SDHA (succinate dehydrogenase complex flavoprotein subunit A; plus strand). Cytogenetic location: 5p15.33.
Variant type: single nucleotide variant.
Coding change: c.1363A>C on transcript NM_004168.4 (MANE Select); coding-DNA position 1363, A replaced by C.
Protein change: p.Asn455His; replaces asparagine 455 with histidine.
Molecular consequence: missense variant.
Genome position (GRCh38, 1-based): chr5:236,530, A>C. VCF-style: chr5-236530-A-C. GRCh37 (hg19) VCF-style: chr5-236645-A-C.
Other names: c.1219A>C, p.Asn407His (NM_001294332.2); c.1363A>C, p.Asn455His (NM_001330758.2); short protein forms N455H, N407H.
Identifiers: ClinVar variation 3793540 (VCV003793540.2).

ClinVar aggregate classification (germline): Uncertain significance. Review status: criteria provided, multiple submitters, no conflicts (2 of 4 stars). 2 submissions from 2 submitters: Uncertain significance (2). Last evaluated 2025-03-09.

Conditions:
Hereditary cancer-predisposing syndrome. Also called: Tumor predisposition; Neoplastic Syndromes, Hereditary; Hereditary neoplastic syndrome; Hereditary Cancer Syndrome. Identifiers: Orphanet 140162, MedGen C0027672, MeSH D009386, MONDO:0015356.
Mitochondrial complex II deficiency, nuclear type 1. Also called: SUCCINATE CoQ REDUCTASE DEFICIENCY. Identifiers: Orphanet 3208, MedGen C5700310, MONDO:0100294, OMIM 252011.
Pheochromocytoma/paraganglioma syndrome 5. Also called: Paragangliomas 5; SDHA-Related Hereditary Paraganglioma-Pheochromocytoma Syndrome. Identifiers: Orphanet 29072, MedGen C3279992, MONDO:0013602, OMIM 614165.

gnomAD v4.1: 3 of 1,614,034 alleles (0.00019%); highest among the groups gnomAD compares: South Asian, 0.0033%; no homozygotes.

Submissions (2):

Labcorp Genetics (formerly Invitae), Labcorp
Classification: Uncertain significance for Pheochromocytoma/paraganglioma syndrome 5; Mitochondrial complex II deficiency, nuclear type 1. Last evaluated: 2025-03-09. Review status: criteria provided, single submitter. Criteria: Invitae Variant Classification Sherloc (09022015). Collection method: clinical testing. Allele origin: germline.
Comment: This sequence change replaces asparagine, which is neutral and polar, with histidine, which is basic and polar, at codon 455 of the SDHA protein (p.Asn455His). This variant is present in population databases (rs567820710, gnomAD 0.003%). This variant has not been reported in the literature in individuals affected with SDHA-related conditions. Invitae Evidence Modeling of protein sequence and biophysical properties (such as structural, functional, and spatial information, amino acid conservation, physicochemical variation, residue mobility, and thermodynamic stability) has been performed for this missense variant. However, the output from this modeling did not meet the statistical confidence thresholds required to predict the impact of this variant on SDHA protein function. In summary, the available evidence is currently insufficient to determine the role of this variant in disease. Therefore, it has been classified as a Variant of Uncertain Significance.

Ambry Genetics
Classification: Uncertain significance for Hereditary cancer-predisposing syndrome. Last evaluated: 2024-12-29. Review status: criteria provided, single submitter. Criteria: Ambry Variant Classification Scheme 2023. Collection method: clinical testing. Allele origin: germline.
Comment: The p.N455H variant (also known as c.1363A>C), located in coding exon 10 of the SDHA gene, results from an A to C substitution at nucleotide position 1363. The asparagine at codon 455 is replaced by histidine, an amino acid with similar properties. This amino acid position is conserved. In addition, the in silico prediction for this alteration is inconclusive. Based on the available evidence, the clinical significance of this variant remains unclear.